The following is an entry in ClinVar:

ClinVar aggregate classification (germline): Likely benign. Review status: criteria provided, single submitter (1 of 4 stars). 2 submissions from 2 submitters: Likely benign (1). 1 of the submissions does not count toward it. Last evaluated 2017-11-17.

Allele frequency attached by ClinVar (database versions not stated): gnomAD 0.00022 and 0.00024; ExAC 0.00031; TOPMed 0.00032.
gnomAD v4.1: 549 of 1,593,770 alleles (0.034%); highest among the groups gnomAD compares: Admixed American, 0.048%; no homozygotes.

Submissions (2):

GeneDx
Classification: Likely benign. Last evaluated: 2017-11-17. Review status: criteria provided, single submitter. Criteria: GeneDx Variant Classification (06012015). Collection method: clinical testing. Allele origin: germline. Affected: yes.
Comment: This variant is considered likely benign or benign based on one or more of the following criteria: it is a conservative change, it occurs at a poorly conserved position in the protein, it is predicted to be benign by multiple in silico algorithms, and/or has population frequency not consistent with disease.

Laboratory for Molecular Medicine, Mass General Brigham Personalized Medicine
No classification provided. Last evaluated: 2013-11-03. Review status: no classification provided. Collection method: clinical testing. Allele origin: germline. Observed: 1 variant allele. Not counted in ClinVar's aggregate classification.

NM_005379.4(MYO1A):c.-11C>T

Gene: MYO1A (myosin IA; minus strand). Cytogenetic location: 12q13.3.
Variant type: single nucleotide variant.
Coding change: c.-11C>T on transcript NM_005379.4 (MANE Select); 11 bases upstream of the start codon, C replaced by T.
Molecular consequence: 5 prime UTR variant.
Genome position (GRCh38, 1-based): chr12:57,048,334, G>A on the plus strand (C>T on the coding strand, the complement: MYO1A is on the minus strand). VCF-style: chr12-57048334-G-A. GRCh37 (hg19) VCF-style: chr12-57442118-G-A.
Other names: c.-11C>T (NM_001256041.2).
Identifiers: ClinVar variation 164601 (VCV000164601.4), dbSNP rs560209125, ClinGen allele CA177327.